The following is an entry in ClinVar:

NM_001083116.3(PRF1):c.694C>T (p.Arg232Cys)

Gene: PRF1 (perforin 1; minus strand). Cytogenetic location: 10q22.1.
Variant type: single nucleotide variant.
Coding change: c.694C>T on transcript NM_001083116.3 (MANE Select); coding-DNA position 694, C replaced by T.
Protein change: p.Arg232Cys; replaces arginine 232 with cysteine.
Molecular consequence: missense variant.
Genome position (GRCh38, 1-based): chr10:70,599,027, G>A on the plus strand (C>T on the coding strand, the complement: PRF1 is on the minus strand). VCF-style: chr10-70599027-G-A. GRCh37 (hg19) VCF-style: chr10-72358783-G-A.
Other names: c.694C>T, p.Arg232Cys (NM_005041.6); short protein forms R232C.
Identifiers: ClinVar variation 2678052 (VCV002678052.9), dbSNP rs550073023, ClinGen allele CA5538944.

ClinVar aggregate classification (germline): Pathogenic/Likely pathogenic. Review status: criteria provided, multiple submitters, no conflicts (2 of 4 stars). 6 submissions from 6 submitters: Pathogenic (4); Likely pathogenic (2). Last evaluated 2025-09-08.

Conditions:
Aplastic anemia. Identifiers: Orphanet 182040, Orphanet 88, MedGen C0002874, MONDO:0015909, OMIM 609135, HP:0001915.
Lymphoma, non-Hodgkin, familial. Identifiers: MedGen C4721532, MONDO:0011508, OMIM 605027.
Familial hemophagocytic lymphohistiocytosis 2 (FHL2). Also called: PRF1-Related Familial Hemophagocytic Lymphohistiocytosis (PRF1-fHLH). Identifiers: Orphanet 540, MedGen C1863727, MONDO:0011337, OMIM 603553.
Familial hemophagocytic lymphohistiocytosis (FHL). Also called: Hereditary hemophagocytic lymphohistiocytosis; Familial erythrophagocytic lymphohistiocytosis; Familial histiocytic reticulosis. Identifiers: Orphanet 158038, Orphanet 540, MedGen C0272199, MONDO:0015541.

Allele frequency attached by ClinVar (database versions not stated): TOPMed below 0.00001; gnomAD 0.00001; gnomAD exomes 0.00001; ExAC 0.00002; 1000 Genomes Project 30x 0.00016; 1000 Genomes Project 0.00020.

Submissions (6):

Women's Health and Genetics/Laboratory Corporation of America, LabCorp
Classification: Pathogenic for Familial hemophagocytic lymphohistiocytosis. Last evaluated: 2025-09-08. Review status: criteria provided, single submitter. Criteria: LabCorp Variant Classification Summary - May 2015. Collection method: clinical testing. Allele origin: germline.
Comment: Variant summary: PRF1 c.694C>T (p.Arg232Cys) results in a non-conservative amino acid change in the encoded protein sequence. Algorithms developed to predict the effect of missense changes on protein structure and function all suggest that this variant is likely to be disruptive. The variant allele was found at a frequency of 1.6e-05 in 250444 control chromosomes (gnomAD). c.694C>T has been observed in individuals affected with clinical features of Familial Hemophagocytic Lymphohistiocytosis (Clementi_2001, Del Giudice_2003, Arunachalam_2021). These data indicate that the variant is likely to be associated with disease. At least one publication reports experimental evidence evaluating an impact on protein function and this variant results in severely diminished PRF1 function (Voskoboinik_2005). The following publications have been ascertained in the context of this evaluation (PMID: 23592409, 33225392, 11565555, 12725560, 15755897). ClinVar contains an entry for this variant (Variation ID: 2678052). Based on the evidence outlined above, the variant was classified as pathogenic.

Myriad Genetics, Inc.
Classification: Likely pathogenic for Familial hemophagocytic lymphohistiocytosis 2. Last evaluated: 2025-08-01. Review status: criteria provided, single submitter. Criteria: Myriad Autosomal Dominant, Autosomal Recessive and X-Linked Classification Criteria (2023). Collection method: clinical testing. Allele origin: unknown.
Comment: NM_001083116.1(PRF1):c.694C>T(R232C) is a missense variant classified as likely pathogenic in the context of familial hemophagocytic lymphohistiocytosis, PRF1-related. R232C has been observed in cases with relevant disease (PMID: 12725560, 11565555, 33225392, Vrotsos_2013_(Article), 33746956). Relevant functional assessments of this variant are available in the literature (PMID: 15755897). R232C has been observed in referenced population frequency databases. In summary, NM_001083116.1(PRF1):c.694C>T(R232C) is a missense variant that has functional support for pathogenicity and has been observed more frequently in cases with the relevant disease than in healthy populations. Please note: this variant was assessed in the context of healthy population screening.

Labcorp Genetics (formerly Invitae), Labcorp
Classification: Likely pathogenic for Familial hemophagocytic lymphohistiocytosis 2. Last evaluated: 2024-03-09. Review status: criteria provided, single submitter. Criteria: Invitae Variant Classification Sherloc (09022015). Collection method: clinical testing. Allele origin: germline.
Comment: This sequence change replaces arginine, which is basic and polar, with cysteine, which is neutral and slightly polar, at codon 232 of the PRF1 protein (p.Arg232Cys). This variant is present in population databases (rs550073023, gnomAD 0.006%). This missense change has been observed in individual(s) with PRF1-related conditions (PMID: 12725560, 33225392, 33746956). Advanced modeling of protein sequence and biophysical properties (such as structural, functional, and spatial information, amino acid conservation, physicochemical variation, residue mobility, and thermodynamic stability) has been performed at Invitae for this missense variant, however the output from this modeling did not meet the statistical confidence thresholds required to predict the impact of this variant on PRF1 protein function. Experimental studies have shown that this missense change affects PRF1 function (PMID: 15755897). This variant disrupts the p.Arg232 amino acid residue in PRF1. Other variant(s) that disrupt this residue have been determined to be pathogenic (PMID: 15755897, 16278825, 16374518, 19487666, 22970278; Invitae). This suggests that this residue is clinically significant, and that variants that disrupt this residue are likely to be disease-causing. In summary, the currently available evidence indicates that the variant is pathogenic, but additional data are needed to prove that conclusively. Therefore, this variant has been classified as Likely Pathogenic.

Baylor Genetics
Classification: Pathogenic for Aplastic anemia. Last evaluated: 2024-02-11. Review status: criteria provided, single submitter. Criteria: ACMG Guidelines, 2015. Collection method: clinical testing. Allele origin: unknown.

Fulgent Genetics
Classification: Pathogenic for Familial hemophagocytic lymphohistiocytosis 2; Lymphoma, non-Hodgkin, familial; Aplastic anemia. Last evaluated: 2024-01-16. Review status: criteria provided, single submitter. Criteria: ACMG Guidelines, 2015. Collection method: clinical testing. Allele origin: germline.

Neuberg Centre For Genomic Medicine, NCGM
Classification: Pathogenic for Familial hemophagocytic lymphohistiocytosis 2. Last evaluated: 2023-05-20. Review status: criteria provided, single submitter. Criteria: ACMG Guidelines, 2015. Collection method: clinical testing. Allele origin: germline. Inheritance: Autosomal recessive inheritance. Affected: yes.
Comment: The missense variant c.694C>T(p.Arg232Cys) in PRF1 gene has been reported in homozygous / compound heterozygous state in multiple patients affected with Hemophagocytic lymphohistiocytosis, familial, 2 (Vishal Patel et. al., 2021; Shi Y et. al., 2021; McCreary et al.,. 2019; Manisha et. al., 2018; Voskoboinik I et. al., 2005). Functional studies reveals the effect of missense change on PRF1 gene function (Voskoboinik I et. al., 2005). The oberved variant has allele frequency of 001% in gnomAD exomes database. This variant has not been submitted to the ClinVar database. The amino acid change p.Arg232Cys in PRF1 is predicted as conserved by GERP++ and PhyloP across 100 vertebrates. Multiple lines of computational evidence (Polyphen - probably damaging , SIFT - damaging and MutationTaster - disease causing) predict a damaging effect on protein structure and function for this variant. The amino acid Arg at position 232 is changed to a Cys changing protein sequence and it might alter its composition and physicochemical properties. For these reasons, this variant has been classified as Pathogenic.

Literature cited by the submitters: PubMed 23592409 (cited by Women's Health and Genetics/Laboratory Corporation of America, LabCorp); PubMed 15755897 (cited by 3 submitters); PubMed 33225392 (cited by Women's Health and Genetics/Laboratory Corporation of America, LabCorp and Labcorp Genetics (formerly Invitae), Labcorp); PubMed 11565555 (cited by Women's Health and Genetics/Laboratory Corporation of America, LabCorp); PubMed 12725560 (cited by Women's Health and Genetics/Laboratory Corporation of America, LabCorp and Labcorp Genetics (formerly Invitae), Labcorp); PubMed 33746956 (cited by Labcorp Genetics (formerly Invitae), Labcorp); PubMed 16278825 (cited by Labcorp Genetics (formerly Invitae), Labcorp); PubMed 16374518 (cited by Labcorp Genetics (formerly Invitae), Labcorp); PubMed 19487666 (cited by Labcorp Genetics (formerly Invitae), Labcorp); PubMed 22970278 (cited by Labcorp Genetics (formerly Invitae), Labcorp).